The following is an entry in ClinVar:

ClinVar aggregate classification (germline): Benign/Likely benign. Review status: criteria provided, multiple submitters, no conflicts (2 of 4 stars). 4 submissions from 4 submitters: Benign (1); Likely benign (3). Last evaluated 2026-01-09.

Conditions:
Inborn genetic diseases. Identifiers: MedGen C0950123, MeSH D030342.

Allele frequency attached by ClinVar (database versions not stated): TOPMed 0.00011; gnomAD 0.00013; gnomAD exomes 0.00026 and 0.00033; ExAC 0.00050.

Submissions (4):

Labcorp Genetics (formerly Invitae), Labcorp
Classification: Benign. Last evaluated: 2026-01-09. Review status: criteria provided, single submitter. Criteria: Invitae Variant Classification Sherloc (09022015). Collection method: clinical testing. Allele origin: germline.

CeGaT Center for Human Genetics Tuebingen
Classification: Likely benign. Last evaluated: 2025-11-01. Review status: criteria provided, single submitter. Criteria: CeGaT Center For Human Genetics Tuebingen Variant Classification Criteria Version 2. Collection method: clinical testing. Allele origin: germline. Affected: yes. Observed: 3 variant alleles.
Comment: MDH2: BP4, BP7

Blueprint Genetics
Classification: Likely benign. Last evaluated: 2024-08-01. Review status: criteria provided, single submitter. Criteria: ACMG Guidelines, 2015. Collection method: clinical testing. Allele origin: germline.

Ambry Genetics
Classification: Likely benign for Inborn genetic diseases. Last evaluated: 2022-02-13. Review status: criteria provided, single submitter. Criteria: Ambry Variant Classification Scheme 2023. Collection method: clinical testing. Allele origin: germline.

NM_005918.4(MDH2):c.45C>T (p.Arg15=)

Gene: MDH2 (malate dehydrogenase 2; plus strand). Cytogenetic location: 7q11.23.
Variant type: single nucleotide variant.
Coding change: c.45C>T on transcript NM_005918.4 (MANE Select); coding-DNA position 45, C replaced by T.
Protein change: p.Arg15=; no amino-acid change (arginine 15 retained).
Molecular consequence: synonymous variant. On other transcripts: 5 prime UTR variant (1), non-coding transcript variant (1).
Genome position (GRCh38, 1-based): chr7:76,048,205, C>T. VCF-style: chr7-76048205-C-T. GRCh37 (hg19) VCF-style: chr7-75677523-C-T.
Other names: c.45C>T, p.Arg15= (NM_001282403.2); c.-108C>T (NM_001282404.2).
Identifiers: ClinVar variation 1538879 (VCV001538879.34), dbSNP rs782800852, ClinGen allele CA4305389.